The following is an entry in ClinVar:

NM_001199107.2(TBC1D24):c.461A>G (p.Lys154Arg)

Gene: TBC1D24 (TBC1 domain family member 24; plus strand). Cytogenetic location: 16p13.3.
Variant type: single nucleotide variant.
Coding change: c.461A>G on transcript NM_001199107.2 (MANE Select); coding-DNA position 461, A replaced by G.
Protein change: p.Lys154Arg; replaces lysine 154 with arginine.
Molecular consequence: missense variant.
Genome position (GRCh38, 1-based): chr16:2,496,609, A>G. VCF-style: chr16-2496609-A-G. GRCh37 (hg19) VCF-style: chr16-2546610-A-G.
Other names: c.461A>G, p.Lys154Arg (NM_020705.3); short protein forms K154R.
Identifiers: ClinVar variation 1720507 (VCV001720507.6), dbSNP rs2505514122, ClinGen allele CA394376104.
Genomic context (GRCh38, chr16:2,496,609, plus strand): 5'-TGCCGGCCGTGGTGGCCCTGCTGCTGCACTACAGCATCGACGAGGCCGAGTGCTTCGAGA[A>G]GGCCTGCCGCATCCTGGCCTGCAATGACCCCGGCAGGAGGCTGATCGACCAGAGCTTCCT-3'
Protein context (NP_001186036.1, residues 144-164): YSIDEAECFE[Lys154Arg]ACRILACNDP

ClinVar aggregate classification (germline): Uncertain significance (1 of 4 stars; one submission).

Conditions:
Developmental and epileptic encephalopathy, 1 (DEE1). Also called: X-linked infantile spasms; West's syndrome; Tonic spasms with clustering, arrest of psychomotor development and hypsarrhythmia on EEG; X-Linked Infantile Spasm Syndrome; OHTAHARA SYNDROME, X-LINKED; INFANTILE SPASM SYNDROME, X-LINKED 1. Identifiers: MedGen C3463992, MONDO:0010632, OMIM 308350. Disease mechanism: loss of function.
Autosomal dominant nonsyndromic hearing loss 65. Also called: TBC1D24-Related Autosomal Dominant Nonsyndromic Hearing Loss (DFNA); Deafness, autosomal dominant 65. Identifiers: Orphanet 90635, MedGen C3892048, MONDO:0014470, OMIM 616044.

Submission:

Labcorp Genetics (formerly Invitae), Labcorp
Classification: Uncertain significance for Developmental and epileptic encephalopathy, 1; Autosomal dominant nonsyndromic hearing loss 65. Last evaluated: 2022-09-27. Review status: criteria provided, single submitter. Criteria: Invitae Variant Classification Sherloc (09022015). Collection method: clinical testing. Allele origin: germline.
Comment: In summary, the available evidence is currently insufficient to determine the role of this variant in disease. Therefore, it has been classified as a Variant of Uncertain Significance. This sequence change replaces lysine, which is basic and polar, with arginine, which is basic and polar, at codon 154 of the TBC1D24 protein (p.Lys154Arg). This variant is not present in population databases (gnomAD no frequency). This variant has not been reported in the literature in individuals affected with TBC1D24-related conditions. Advanced modeling of protein sequence and biophysical properties (such as structural, functional, and spatial information, amino acid conservation, physicochemical variation, residue mobility, and thermodynamic stability) performed at Invitae indicates that this missense variant is not expected to disrupt TBC1D24 protein function.